The following is an entry in ClinVar:

NM_003242.6(TGFBR2):c.580C>G (p.Gln194Glu)

Gene: TGFBR2 (transforming growth factor beta receptor 2; plus strand). Cytogenetic location: 3p24.1.
Variant type: single nucleotide variant.
Coding change: c.580C>G on transcript NM_003242.6 (MANE Select); coding-DNA position 580, C replaced by G.
Protein change: p.Gln194Glu; replaces glutamine 194 with glutamic acid.
Molecular consequence: missense variant. On other transcripts: intron variant (1).
Genome position (GRCh38, 1-based): chr3:30,671,763, C>G. VCF-style: chr3-30671763-C-G. GRCh37 (hg19) VCF-style: chr3-30713255-C-G.
Other names: c.655C>G, p.Gln219Glu (NM_001024847.3); c.763C>G, p.Gln255Glu (NM_001407126.1); c.688C>G, p.Gln230Glu (NM_001407127.1); c.607C>G, p.Gln203Glu (NM_001407128.1); c.583C>G, p.Gln195Glu (NM_001407129.1); c.580C>G, p.Gln194Glu (NM_001407130.1); c.475C>G, p.Gln159Glu (NM_001407132.1, NM_001407133.1, NM_001407134.1 and 2 more transcripts); c.295C>G, p.Gln99Glu (NM_001407137.1); and 2 more; short protein forms Q159E, Q74E, Q203E, Q219E, Q194E, Q195E, Q230E, Q255E.
Identifiers: ClinVar variation 5030843 (VCV005030843.1).

ClinVar aggregate classification (germline): Uncertain significance (1 of 4 stars; one submission).

Conditions:
Familial thoracic aortic aneurysm and aortic dissection (TAAD). Also called: Thoracic aortic aneurysms and dissections. Identifiers: Orphanet 91387, MedGen C4707243, MONDO:0019625.

Submission:

Ambry Genetics
Classification: Uncertain significance for Familial thoracic aortic aneurysm and aortic dissection. Last evaluated: 2026-08-24. Review status: criteria provided, single submitter. Criteria: Ambry Variant Classification Scheme 2023. Collection method: clinical testing. Allele origin: germline.
Comment: The p.Q194E variant (also known as c.580C>G), located in coding exon 4 of the TGFBR2 gene, results from a C to G substitution at nucleotide position 580. The glutamine at codon 194 is replaced by glutamic acid, an amino acid with highly similar properties. This amino acid position is conserved. In addition, this alteration is predicted to be tolerated by in silico analysis. Based on the available evidence, the clinical significance of this variant remains unclear.